The following is an entry in ClinVar:

ClinVar aggregate classification (germline): Benign. Review status: criteria provided, multiple submitters, no conflicts (2 of 4 stars). 3 submissions from 3 submitters: Benign (2). 1 of the submissions does not count toward it. Last evaluated 2019-12-31.

Conditions:
CFAP69-related disorder. Also called: CFAP69-related condition.

Allele frequency attached by ClinVar (database versions not stated): gnomAD exomes 0.00334; ExAC 0.00455; ESP Exome Variant Server 0.01482; gnomAD 0.01531 and 0.01644; 1000 Genomes Project 0.01597; 1000 Genomes Project 30x 0.01655; TOPMed 0.01656.
gnomAD v4.1: 4,375 of 1,605,316 alleles (0.27%); highest among the groups gnomAD compares: African/African-American, 5.2%; 127 homozygotes.

Submissions (3):

Labcorp Genetics (formerly Invitae), Labcorp
Classification: Benign. Last evaluated: 2019-12-31. Review status: criteria provided, single submitter. Criteria: Invitae Variant Classification Sherloc (09022015). Collection method: clinical testing. Allele origin: germline.

Breakthrough Genomics
Classification: Benign. Review status: criteria provided, single submitter. Criteria: ACMG Guidelines, 2015. Collection method: not provided. Allele origin: germline. Inheritance: Autosomal recessive inheritance. Affected: yes.

PreventionGenetics, part of Exact Sciences
Classification: Benign for CFAP69-related condition. Last evaluated: 2024-05-16. Review status: no assertion criteria provided. Collection method: clinical testing. Allele origin: germline. Not counted in ClinVar's aggregate classification.
Comment: This variant is classified as benign based on ACMG/AMP sequence variant interpretation guidelines (Richards et al. 2015 PMID: 25741868, with internal and published modifications).

NM_001039706.3(CFAP69):c.916C>T (p.Arg306Cys)

Gene: CFAP69 (cilia and flagella associated protein 69; plus strand). Cytogenetic location: 7q21.13.
Variant type: single nucleotide variant.
Coding change: c.916C>T on transcript NM_001039706.3 (MANE Select); coding-DNA position 916, C replaced by T.
Protein change: p.Arg306Cys; replaces arginine 306 with cysteine.
Molecular consequence: missense variant.
Genome position (GRCh38, 1-based): chr7:90,274,042, C>T. VCF-style: chr7-90274042-C-T. GRCh37 (hg19) VCF-style: chr7-89903356-C-T.
Other names: c.862C>T, p.Arg288Cys (NM_001160138.2); c.916C>T, p.Arg306Cys (NM_001363438.1); short protein forms R288C, R306C.
Identifiers: ClinVar variation 768179 (VCV000768179.7), dbSNP rs17866223, ClinGen allele CA4333412.
Genomic context (GRCh38, chr7:90,274,042, plus strand): 5'-TCTAGGGCTTTGAAGGAAGTATTTAAAAATCTGTTTATGAGAGGTTTCAGTCATTATGAC[C>T]GTCAGCTTAGAAATGACATATTAGTGATCACTACAATTATAGCTCAAAATCCTGAAGCAC-3'
Protein context (NP_001034795.2, residues 296-316): LFMRGFSHYD[Arg306Cys]QLRNDILVIT